The following is an entry in ClinVar:

ClinVar aggregate classification (germline): Conflicting classifications of pathogenicity. Review status: criteria provided, conflicting classifications (1 of 4 stars). 8 submissions from 7 submitters: Uncertain significance (1); Likely benign (6). 1 of the submissions does not count toward it. Last evaluated 2026-01-14.

Conditions:
Inborn genetic diseases. Identifiers: MedGen C0950123, MeSH D030342.
Charcot-Marie-Tooth disease type 4. Also called: Charcot-Marie-Tooth disease, type IV; Charcot-Marie-Tooth, Type 4. Identifiers: Orphanet 64749, MedGen C4082197, MONDO:0018995.
Amyotrophic lateral sclerosis type 11 (ALS11). Identifiers: Orphanet 803, MedGen C2675491, MONDO:0012945, OMIM 612577.
Charcot-Marie-Tooth disease type 4J (CMT4J). Also called: CHARCOT-MARIE-TOOTH DISEASE, DEMYELINATING, TYPE 4J; Charcot-Marie-Tooth Neuropathy Type 4J; CHARCOT-MARIE-TOOTH DISEASE, AUTOSOMAL RECESSIVE, TYPE 4J. Identifiers: Orphanet 139515, MedGen C1970011, MONDO:0012640, OMIM 611228.
FIG4-related disorder. Also called: FIG4-related disorders; FIG4-related condition.
Charcot-Marie-Tooth disease. Also called: Charcot-Marie-Tooth Neuropathy; Charcot-Marie-Tooth Hereditary Neuropathy. Identifiers: Orphanet 166, MedGen C0007959, MONDO:0015626.

Allele frequency attached by ClinVar (database versions not stated): gnomAD 0.00004; TOPMed 0.00005; ExAC 0.00007.
gnomAD v4.1: 65 of 1,587,112 alleles (0.0041%); highest among the groups gnomAD compares: Admixed American, 0.012%; no homozygotes.

Submissions (8):

Labcorp Genetics (formerly Invitae), Labcorp
Classification: Likely benign for Charcot-Marie-Tooth disease type 4. Last evaluated: 2026-01-14. Review status: criteria provided, single submitter. Criteria: Invitae Variant Classification Sherloc (09022015). Collection method: clinical testing. Allele origin: germline.

Blueprint Genetics
Classification: Likely benign. Last evaluated: 2024-03-16. Review status: criteria provided, single submitter. Criteria: ACMG Guidelines, 2015. Collection method: clinical testing. Allele origin: germline.

Ambry Genetics
Classification: Likely benign for Inborn genetic diseases. Last evaluated: 2022-08-16. Review status: criteria provided, single submitter. Criteria: Ambry Variant Classification Scheme 2023. Collection method: clinical testing. Allele origin: germline.

Illumina Laboratory Services, Illumina
Classification: Uncertain significance for Charcot-Marie-Tooth disease type 4J. Last evaluated: 2018-01-12. Review status: criteria provided, single submitter. Criteria: ICSL Variant Classification Criteria 13 December 2019. Collection method: clinical testing. Allele origin: germline.

Illumina Laboratory Services, Illumina
Classification: Likely benign for Amyotrophic lateral sclerosis type 11. Last evaluated: 2018-01-12. Review status: criteria provided, single submitter. Criteria: ICSL Variant Classification Criteria 13 December 2019. Collection method: clinical testing. Allele origin: germline.
Comment: This variant was observed in the ICSL laboratory as part of a predisposition screen in an ostensibly healthy population. It had not been previously curated by ICSL or reported in the Human Gene Mutation Database (HGMD: prior to June 1st, 2018), and was therefore a candidate for classification through an automated scoring system. Utilizing variant allele frequency, disease prevalence and penetrance estimates, and inheritance mode, an automated score was calculated to assess if this variant is too frequent to cause the disease. Based on the score and internal cut-off values, a variant classified as likely benign is not then subjected to further curation. The score for this variant resulted in a classification of likely benign for this disease.

GeneDx
Classification: Likely benign. Last evaluated: 2017-08-21. Review status: criteria provided, single submitter. Criteria: GeneDx Variant Classification (06012015). Collection method: clinical testing. Allele origin: germline. Affected: yes.
Comment: This variant is considered likely benign or benign based on one or more of the following criteria: it is a conservative change, it occurs at a poorly conserved position in the protein, it is predicted to be benign by multiple in silico algorithms, and/or has population frequency not consistent with disease.

Molecular Genetics Laboratory, London Health Sciences Centre
Classification: Likely benign for Charcot-Marie-Tooth disease. Review status: criteria provided, single submitter. Criteria: ACMG Guidelines, 2015. Collection method: clinical testing. Allele origin: germline. Affected: yes.

PreventionGenetics, part of Exact Sciences
Classification: Likely benign for FIG4-related condition. Last evaluated: 2022-06-01. Review status: no assertion criteria provided. Collection method: clinical testing. Allele origin: germline. Not counted in ClinVar's aggregate classification.
Comment: This variant is classified as likely benign based on ACMG/AMP sequence variant interpretation guidelines (Richards et al. 2015 PMID: 25741868, with internal and published modifications).

NM_014845.6(FIG4):c.33G>C (p.Ser11=)

Gene: FIG4 (FIG4 phosphoinositide 5-phosphatase; plus strand). Cytogenetic location: 6q21.
Variant type: single nucleotide variant.
Coding change: c.33G>C on transcript NM_014845.6 (MANE Select); coding-DNA position 33, G replaced by C.
Protein change: p.Ser11=; no amino-acid change (serine 11 retained).
Molecular consequence: synonymous variant.
Genome position (GRCh38, 1-based): chr6:109,691,468, G>C. VCF-style: chr6-109691468-G-C. GRCh37 (hg19) VCF-style: chr6-110012671-G-C.
Identifiers: ClinVar variation 389842 (VCV000389842.19), dbSNP rs527523781, ClinGen allele CA3955640.